The following is an entry in ClinVar:

ClinVar aggregate classification (germline): Likely benign. Review status: criteria provided, multiple submitters, no conflicts (2 of 4 stars). 5 submissions from 5 submitters: Likely benign (2). 3 of the submissions do not count toward it. Last evaluated 2026-01-26.

Conditions:
CACNA1F-related disorder. Also called: CACNA1F-related condition.

Allele frequency attached by ClinVar (database versions not stated): gnomAD exomes 0.00003 and 0.00011; ExAC 0.00014; 1000 Genomes Project 0.00026; gnomAD 0.00032; TOPMed 0.00037; 1000 Genomes Project 30x 0.00042; ESP Exome Variant Server 0.00066.
gnomAD v4.1: 76 of 1,208,978 alleles (0.0063%); highest among the groups gnomAD compares: African/African-American, 0.09%; no homozygotes.

Submissions (5):

Labcorp Genetics (formerly Invitae), Labcorp
Classification: Likely benign. Last evaluated: 2026-01-26. Review status: criteria provided, single submitter. Criteria: Invitae Variant Classification Sherloc (09022015). Collection method: clinical testing. Allele origin: germline.

Blueprint Genetics
Classification: Likely benign. Last evaluated: 2024-06-10. Review status: criteria provided, single submitter. Criteria: ACMG Guidelines, 2015. Collection method: clinical testing. Allele origin: germline.

PreventionGenetics, part of Exact Sciences
Classification: Likely benign for CACNA1F-related condition. Last evaluated: 2024-06-24. Review status: no assertion criteria provided. Collection method: clinical testing. Allele origin: germline. Not counted in ClinVar's aggregate classification.
Comment: This variant is classified as likely benign based on ACMG/AMP sequence variant interpretation guidelines (Richards et al. 2015 PMID: 25741868, with internal and published modifications).

Joint Genome Diagnostic Labs from Nijmegen and Maastricht, Radboudumc and MUMC+
Classification: Uncertain significance. Review status: no assertion criteria provided. Collection method: clinical testing. Allele origin: germline. Affected: yes. Study: VKGL Data-share Consensus. Not counted in ClinVar's aggregate classification.

Laboratory of Diagnostic Genome Analysis, Leiden University Medical Center (LUMC)
Classification: Uncertain significance. Review status: no assertion criteria provided. Collection method: clinical testing. Allele origin: germline. Affected: yes. Study: VKGL Data-share Consensus. Not counted in ClinVar's aggregate classification.

NM_001256789.3(CACNA1F):c.904C>T (p.Arg302Cys)

Gene: CACNA1F (calcium voltage-gated channel subunit alpha1 F; minus strand). Cytogenetic location: Xp11.23.
Variant type: single nucleotide variant.
Coding change: c.904C>T on transcript NM_001256789.3 (MANE Select); coding-DNA position 904, C replaced by T.
Protein change: p.Arg302Cys; replaces arginine 302 with cysteine.
Molecular consequence: missense variant.
Genome position (GRCh38, 1-based): chrX:49,228,361, G>A on the plus strand (C>T on the coding strand, the complement: CACNA1F is on the minus strand). VCF-style: chrX-49228361-G-A. GRCh37 (hg19) VCF-style: chrX-49084823-G-A.
Other names: c.709C>T, p.Arg237Cys (NM_001256790.3); c.904C>T, p.Arg302Cys (NM_005183.4); c.904C>T (NM_005183.3); short protein forms R237C, R302C.
Identifiers: ClinVar variation 1104278 (VCV001104278.14), dbSNP rs139612152, ClinGen allele CA10410990.
Genomic context (GRCh38, chrX:49,228,361, plus strand): 5'-TCAGCATGGCGAAGAAGAAGTTGTCAAAGTTGGTGATGCCTCCATTGGGCCCTGGCCAGC[G>A]CCCGCGGCACTCAGTCTGGTTCAGCGTGCACGCACGCCCTGATCCCGAAGACGCACAGGG-3'
Protein context (NP_001243718.1, residues 292-312): CTLNQTECRG[Arg302Cys]WPGPNGGITN